The following is an entry in ClinVar:

ClinVar aggregate classification (germline): Likely benign (1 of 4 stars; one submission).

Submission:

CeGaT Center for Human Genetics Tuebingen
Classification: Likely benign. Last evaluated: 2024-08-01. Review status: criteria provided, single submitter. Criteria: CeGaT Center For Human Genetics Tuebingen Variant Classification Criteria Version 2. Collection method: clinical testing. Allele origin: germline. Affected: yes. Observed: 1 variant allele.
Comment: VLDLR: PM2:Supporting, BP4, BP7

NM_003383.5(VLDLR):c.957G>A (p.Leu319=)

Gene: VLDLR (very low density lipoprotein receptor; plus strand). Cytogenetic location: 9p24.2.
Variant type: single nucleotide variant.
Coding change: c.957G>A on transcript NM_003383.5 (MANE Select); coding-DNA position 957, G replaced by A.
Protein change: p.Leu319=; no amino-acid change (leucine 319 retained).
Molecular consequence: synonymous variant.
Genome position (GRCh38, 1-based): chr9:2,643,850, G>A. VCF-style: chr9-2643850-G-A. GRCh37 (hg19) VCF-style: chr9-2643850-G-A.
Other names: c.957G>A, p.Leu319= (NM_001018056.3); c.834G>A, p.Leu278= (NM_001322225.2, NM_001322226.2).
Identifiers: ClinVar variation 3341845 (VCV003341845.16).
Genomic context (GRCh38, chr9:2,643,850, plus strand): 5'-TGACCAGACCCACTCATGGAATCTCTCTTCTTTGTTTCTCTTTGTAGTCAATCAGTGCTT[G>A]GGCCCTGGAAAATTCAAGTGCAGAAGTGGAGAATGCATAGATATCAGCAAAGTATGTAAC-3'
Protein context (NP_003374.3, residues 309-329): EVNCKNVNQC[Leu319=]GPGKFKCRSG